The following is an entry in ClinVar:

ClinVar aggregate classification (germline): Uncertain significance (1 of 4 stars; one submission).

Conditions:
Hereditary pancreatitis (PCTT). Also called: Hereditary chronic pancreatitis; PRSS1-Related Hereditary Pancreatitis. Identifiers: Orphanet 676, MedGen C0238339, MONDO:0008185, OMIM 167800.

Submission:

Ambry Genetics
Classification: Uncertain significance for Hereditary pancreatitis. Last evaluated: 2023-10-12. Review status: criteria provided, single submitter. Criteria: Ambry Variant Classification Scheme 2023. Collection method: clinical testing. Allele origin: germline.
Comment: The p.K194R variant (also known as c.581A>G), located in coding exon 5 of the CPA1 gene, results from an A to G substitution at nucleotide position 581. The lysine at codon 194 is replaced by arginine, an amino acid with highly similar properties. This amino acid position is conserved. In addition, this alteration is predicted to be tolerated by in silico analysis. Since supporting evidence is limited at this time, the clinical significance of this alteration remains unclear.

NM_001868.4(CPA1):c.581A>G (p.Lys194Arg)

Gene: CPA1 (carboxypeptidase A1; plus strand). Cytogenetic location: 7q32.2.
Variant type: single nucleotide variant.
Coding change: c.581A>G on transcript NM_001868.4 (MANE Select); coding-DNA position 581, A replaced by G.
Protein change: p.Lys194Arg; replaces lysine 194 with arginine.
Molecular consequence: missense variant.
Genome position (GRCh38, 1-based): chr7:130,383,488, A>G. VCF-style: chr7-130383488-A-G. GRCh37 (hg19) VCF-style: chr7-130023329-A-G.
Other names: short protein forms K194R.
Identifiers: ClinVar variation 3221833 (VCV003221833.1), dbSNP rs2536008246, ClinGen allele CA369282523.